The following is an entry in ClinVar:

ClinVar aggregate classification (germline): Uncertain significance. Review status: criteria provided, multiple submitters, no conflicts (2 of 4 stars). 2 submissions from 2 submitters: Uncertain significance (2). Last evaluated 2024-07-11.

Conditions:
Charcot-Marie-Tooth disease type 2. Also called: Charcot-Marie-Tooth type 2. Identifiers: Orphanet 64746, MedGen C0270914, MONDO:0018993.
Hereditary motor and sensory neuropathy with optic atrophy. Also called: PERIPHERAL NEUROPATHY AND OPTIC ATROPHY; CHARCOT-MARIE-TOOTH DISEASE, TYPE 6. Identifiers: Orphanet 90120, MedGen C0393807, MONDO:0019551.

Allele frequency attached by ClinVar (database versions not stated): TOPMed 0.00001; gnomAD exomes 0.00002; gnomAD 0.00001; ExAC 0.00004.

Submissions (2):

Labcorp Genetics (formerly Invitae), Labcorp
Classification: Uncertain significance for Charcot-Marie-Tooth disease type 2. Last evaluated: 2024-07-11. Review status: criteria provided, single submitter. Criteria: Invitae Variant Classification Sherloc (09022015). Collection method: clinical testing. Allele origin: germline.
Comment: This sequence change replaces arginine, which is basic and polar, with histidine, which is basic and polar, at codon 649 of the MFN2 protein (p.Arg649His). This variant is present in population databases (rs763492075, gnomAD 0.006%). This variant has not been reported in the literature in individuals affected with MFN2-related conditions. ClinVar contains an entry for this variant (Variation ID: 240945). Advanced modeling of protein sequence and biophysical properties (such as structural, functional, and spatial information, amino acid conservation, physicochemical variation, residue mobility, and thermodynamic stability) performed at Invitae indicates that this missense variant is expected to disrupt MFN2 protein function with a positive predictive value of 95%. In summary, the available evidence is currently insufficient to determine the role of this variant in disease. Therefore, it has been classified as a Variant of Uncertain Significance.

Centre for Mendelian Genomics, University Medical Centre Ljubljana
Classification: Uncertain significance for Neuropathy, hereditary motor and sensory, type 6A. Last evaluated: 2019-08-27. Review status: criteria provided, single submitter. Criteria: ACMG Guidelines, 2015. Collection method: clinical testing. Allele origin: unknown. Affected: yes.
Comment: This variant was classified as: Uncertain significance. The available evidence on this variant's pathogenicity is insufficient or conflicting. The following ACMG criteria were applied in classifying this variant: PP3.

NM_014874.4(MFN2):c.1946G>A (p.Arg649His)

Gene: MFN2 (mitofusin 2; plus strand). Cytogenetic location: 1p36.22.
Variant type: single nucleotide variant.
Coding change: c.1946G>A on transcript NM_014874.4 (MANE Select); coding-DNA position 1946, G replaced by A.
Protein change: p.Arg649His; replaces arginine 649 with histidine.
Molecular consequence: missense variant.
Genome position (GRCh38, 1-based): chr1:12,007,126, G>A. VCF-style: chr1-12007126-G-A. GRCh37 (hg19) VCF-style: chr1-12067183-G-A.
Other names: c.1946G>A, p.Arg649His (NM_001127660.2); short protein forms R649H.
Identifiers: ClinVar variation 240945 (VCV000240945.12), dbSNP rs763492075, ClinGen allele CA599282.